The following is an entry in ClinVar:

NM_000038.6(APC):c.1246_1249del (p.Tyr416fs)

Gene: APC (APC regulator of Wnt signaling pathway; plus strand). Cytogenetic location: 5q22.2.
Variant type: Deletion.
Coding change: c.1246_1249del on transcript NM_000038.6 (MANE Select); coding-DNA positions 1246 to 1249, 4 bases deleted (TACT; older notation c.1246_1249delTACT).
Protein change: p.Tyr416fs; shifts the reading frame from tyrosine 416.
Molecular consequence: frameshift variant.
Genome position (GRCh38, 1-based): chr5:112,819,278-112,819,281, TACT deleted; deleting any 4 consecutive bases within chr5:112,819,276-112,819,281 gives the same sequence; the c. name uses the placement nearest the transcript's 3' end. VCF-style (leftmost placement, unchanged base first): chr5-112819275-GCTTA-G. GRCh37 (hg19) VCF-style: chr5-112154972-GCTTA-G.
Other names: c.1246_1249del, p.Tyr416fs (NM_001127510.3, NM_001354895.2, NM_001354896.2); c.1192_1195del, p.Tyr398fs (NM_001127511.3); c.1276_1279del, p.Tyr426fs (NM_001354897.2); c.1171_1174del, p.Tyr391fs (NM_001354898.2); c.1162_1165del, p.Tyr388fs (NM_001354899.2); c.1069_1072del, p.Tyr357fs (NM_001354900.2, NM_001354901.2); c.973_976del, p.Tyr325fs (NM_001354902.2); c.943_946del, p.Tyr315fs (NM_001354903.2); and 3 more; short protein forms Y133fs, Y398fs, Y290fs, Y325fs, Y426fs, Y256fs, Y388fs, Y416fs.
Identifiers: ClinVar variation 486768 (VCV000486768.5), dbSNP rs1554080089, ClinGen allele CA658655915.
Genomic context (GRCh38, chr5:112,819,275, plus strand): 5'-CCTGATGACAAGAGAGGCAGGCGTGAAATCCGAGTCCTTCATCTTTTGGAACAGATACGC[GCTTA>G]CTGTGAAACCTGTTGGGAGTGGCAGGAAGCTCATGAACCAGGCATGGACCAGGACAAAAA-3'

ClinVar aggregate classification (germline): Pathogenic (1 of 4 stars; one submission).

Conditions:
Hereditary cancer-predisposing syndrome. Also called: Tumor predisposition; Hereditary Cancer Syndrome; Hereditary neoplastic syndrome; Neoplastic Syndromes, Hereditary. Identifiers: Orphanet 140162, MedGen C0027672, MeSH D009386, MONDO:0015356.

Submission:

Ambry Genetics
Classification: Pathogenic for Hereditary cancer-predisposing syndrome. Last evaluated: 2016-10-05. Review status: criteria provided, single submitter. Criteria: Ambry Variant Classification Scheme 2023. Collection method: clinical testing. Allele origin: germline.
Comment: The c.1246_1249delTACT pathogenic mutation, located in coding exon 9 of the APC gene, results from a deletion of 4 nucleotides at nucleotide positions 1246 to 1249, causing a translational frameshift with a predicted alternate stop codon. This alteration is expected to result in loss of function by premature protein truncation or nonsense-mediated mRNA decay. As such, this alteration is interpreted as a disease-causing mutation.